The following is an entry in ClinVar:

ClinVar aggregate classification (germline): Uncertain significance. Review status: criteria provided, multiple submitters, no conflicts (2 of 4 stars). 2 submissions from 2 submitters: Uncertain significance (2). Last evaluated 2026-02-09.

Conditions:
PCNT-related disorder. Also called: PCNT-related condition.

Allele frequency attached by ClinVar (database versions not stated): 1000 Genomes Project 30x 0.00031.
gnomAD v4.1: 37 of 1,607,296 alleles (0.0023%); highest among the groups gnomAD compares: Middle Eastern, 0.045%; no homozygotes.

Submissions (2):

PreventionGenetics, part of Exact Sciences
Classification: Uncertain significance for PCNT-related condition. Last evaluated: 2026-02-09. Review status: criteria provided, single submitter. Criteria: ACMG Guidelines, 2015. Collection method: clinical testing. Allele origin: germline.
Comment: The PCNT c.4571C>T variant is predicted to result in the amino acid substitution p.Pro1524Leu. To our knowledge, this variant has not been reported in the literature. This variant is reported in 0.041% of alleles in individuals of South Asian descent in gnomAD. At this time, the clinical significance of this variant is uncertain due to the absence of conclusive functional and genetic evidence.

Labcorp Genetics (formerly Invitae), Labcorp
Classification: Uncertain significance. Last evaluated: 2021-08-14. Review status: criteria provided, single submitter. Criteria: Invitae Variant Classification Sherloc (09022015). Collection method: clinical testing. Allele origin: germline.
Comment: This sequence change replaces proline with leucine at codon 1524 of the PCNT protein (p.Pro1524Leu). The proline residue is weakly conserved and there is a moderate physicochemical difference between proline and leucine. This variant is present in population databases (rs35513449, ExAC 0.06%). This variant has not been reported in the literature in individuals affected with PCNT-related conditions. Algorithms developed to predict the effect of missense changes on protein structure and function are either unavailable or do not agree on the potential impact of this missense change (SIFT: "Tolerated"; PolyPhen-2: "Probably Damaging"; Align-GVGD: "Class C0"). In summary, the available evidence is currently insufficient to determine the role of this variant in disease. Therefore, it has been classified as a Variant of Uncertain Significance.

NM_006031.6(PCNT):c.4571C>T (p.Pro1524Leu)

Gene: PCNT (pericentrin; plus strand). Cytogenetic location: 21q22.3.
Variant type: single nucleotide variant.
Coding change: c.4571C>T on transcript NM_006031.6 (MANE Select); coding-DNA position 4571, C replaced by T.
Protein change: p.Pro1524Leu; replaces proline 1524 with leucine.
Molecular consequence: missense variant.
Genome position (GRCh38, 1-based): chr21:46,398,242, C>T. VCF-style: chr21-46398242-C-T. GRCh37 (hg19) VCF-style: chr21-47818156-C-T.
Other names: c.4217C>T, p.Pro1406Leu (NM_001315529.2); c.4571C>T (NM_006031.5); short protein forms P1406L, P1524L.
Identifiers: ClinVar variation 1442539 (VCV001442539.6), dbSNP rs35513449, ClinGen allele CA10079695.